The following is an entry in ClinVar:

NM_001204.7(BMPR2):c.153C>G (p.Ile51Met)

Gene: BMPR2 (bone morphogenetic protein receptor type 2; plus strand). Cytogenetic location: 2q33.1.
Variant type: single nucleotide variant.
Coding change: c.153C>G on transcript NM_001204.7 (MANE Select); coding-DNA position 153, C replaced by G.
Protein change: p.Ile51Met; replaces isoleucine 51 with methionine.
Molecular consequence: missense variant.
Genome position (GRCh38, 1-based): chr2:202,464,885, C>G. VCF-style: chr2-202464885-C-G. GRCh37 (hg19) VCF-style: chr2-203329608-C-G.
Other names: short protein forms I51M.
Identifiers: ClinVar variation 3824788 (VCV003824788.1).
Genomic context (GRCh38, chr2:202,464,885, plus strand): 5'-ACGGCTATGTGCGTTTAAAGATCCGTATCAGCAAGACCTTGGGATAGGTGAGAGTAGAAT[C>G]TCTCATGAAAATGGGACAATATTATGCTCGAAAGGTAGCACCTGCTATGGCCTTTGGGAG-3'
Protein context (NP_001195.2, residues 41-61): QQDLGIGESR[Ile51Met]SHENGTILCS

ClinVar aggregate classification (germline): Uncertain significance (1 of 4 stars; one submission).

Conditions:
Inborn genetic diseases. Identifiers: MedGen C0950123, MeSH D030342.

gnomAD v4.1: 1 of 1,613,978 alleles (0.000062%); highest among the groups gnomAD compares: Non-Finnish European, 0.000085%; no homozygotes.

Submission:

Ambry Genetics
Classification: Uncertain significance for Inborn genetic diseases. Last evaluated: 2024-12-28. Review status: criteria provided, single submitter. Criteria: Ambry Variant Classification Scheme 2023. Collection method: clinical testing. Allele origin: germline.
Comment: The p.I51M variant (also known as c.153C>G), located in coding exon 2 of the BMPR2 gene, results from a C to G substitution at nucleotide position 153. The isoleucine at codon 51 is replaced by methionine, an amino acid with highly similar properties. This amino acid position is conserved. In addition, this alteration is predicted to be deleterious by in silico analysis. Based on the available evidence, the clinical significance of this variant remains unclear.